The following is an entry in ClinVar:

ClinVar aggregate classification (germline): Uncertain significance (1 of 4 stars; one submission).

Submission:

GeneDx
Classification: Uncertain significance. Last evaluated: 2026-02-13. Review status: criteria provided, single submitter. Criteria: GeneDx Variant Classification Process June 2021. Collection method: clinical testing. Allele origin: germline.
Comment: Not observed at significant frequency in large population cohorts (gnomAD); In silico analysis supports that this missense variant has a deleterious effect on protein structure/function; Has not been previously published as pathogenic or benign to our knowledge

NM_001111125.3(IQSEC2):c.1133G>C (p.Arg378Pro)

Gene: IQSEC2 (IQ motif and Sec7 domain ArfGEF 2; minus strand). Cytogenetic location: Xp11.22.
Variant type: single nucleotide variant.
Coding change: c.1133G>C on transcript NM_001111125.3 (MANE Select); coding-DNA position 1133, G replaced by C.
Protein change: p.Arg378Pro; replaces arginine 378 with proline.
Molecular consequence: missense variant.
Genome position (GRCh38, 1-based): chrX:53,254,798, C>G on the plus strand (G>C on the coding strand, the complement: IQSEC2 is on the minus strand). VCF-style: chrX-53254798-C-G. GRCh37 (hg19) VCF-style: chrX-53283980-C-G.
Other names: c.1133G>C, p.Arg378Pro (NM_001410736.1, NM_001441092.1); c.635G>C, p.Arg212Pro (NM_001441093.1); c.422G>C, p.Arg141Pro (NM_001441094.1, NM_001441095.1); c.518G>C, p.Arg173Pro (NM_015075.2); short protein forms R141P, R212P, R173P, R378P.
Identifiers: ClinVar variation 5009007 (VCV005009007.1).